The following is an entry in ClinVar:

ClinVar aggregate classification (germline): Uncertain significance (1 of 4 stars; one submission).

Conditions:
Gastrointestinal stromal tumor. Also called: Gastrointestinal stromal tumor, somatic; Gastrointestinal stroma tumor. Identifiers: Orphanet 44890, MedGen C0238198, MeSH D046152, MONDO:0011719, OMIM 606764, HP:0100723.

Submission:

Labcorp Genetics (formerly Invitae), Labcorp
Classification: Uncertain significance for Gastrointestinal stromal tumor. Last evaluated: 2020-07-22. Review status: criteria provided, single submitter. Criteria: Invitae Variant Classification Sherloc (09022015). Collection method: clinical testing. Allele origin: germline.
Comment: This variant is not present in population databases (ExAC no frequency). In summary, the available evidence is currently insufficient to determine the role of this variant in disease. Therefore, it has been classified as a Variant of Uncertain Significance. Algorithms developed to predict the effect of missense changes on protein structure and function (SIFT, PolyPhen-2, Align-GVGD) all suggest that this variant is likely to be disruptive, but these predictions have not been confirmed by published functional studies and their clinical significance is uncertain. This variant has not been reported in the literature in individuals with KIT-related conditions. This sequence change replaces cysteine with arginine at codon 491 of the KIT protein (p.Cys491Arg). The cysteine residue is highly conserved and there is a large physicochemical difference between cysteine and arginine.

NM_000222.3(KIT):c.1471T>C (p.Cys491Arg)

Gene: KIT (KIT proto-oncogene, receptor tyrosine kinase; plus strand). Cytogenetic location: 4q12.
Variant type: single nucleotide variant.
Coding change: c.1471T>C on transcript NM_000222.3 (MANE Select); coding-DNA position 1471, T replaced by C.
Protein change: p.Cys491Arg; replaces cysteine 491 with arginine.
Molecular consequence: missense variant.
Genome position (GRCh38, 1-based): chr4:54,725,981, T>C. VCF-style: chr4-54725981-T-C. GRCh37 (hg19) VCF-style: chr4-55592147-T-C.
Other names: c.1471T>C, p.Cys491Arg (NM_001093772.2, NM_001385285.1, NM_001385286.1); c.1474T>C, p.Cys492Arg (NM_001385284.1, NM_001385288.1, NM_001385290.1 and 1 more transcripts); short protein forms C491R, C492R.
Identifiers: ClinVar variation 1000538 (VCV001000538.9), dbSNP rs1722194127, ClinGen allele CA356906467.
Genomic context (GRCh38, chr4:54,725,981, plus strand): 5'-AAGCTAGTGGTTCAGAGTTCTATAGATTCTAGTGCATTCAAGCACAATGGCACGGTTGAA[T>C]GTAAGGCTTACAACGATGTGGGCAAGACTTCTGCCTATTTTAACTTTGCATTTAAAGGTA-3'
Protein context (NP_000213.1, residues 481-501): SAFKHNGTVE[Cys491Arg]KAYNDVGKTS